The following is an entry in ClinVar:

ClinVar aggregate classification (germline): Uncertain significance. Review status: criteria provided, multiple submitters, no conflicts (2 of 4 stars). 2 submissions from 2 submitters: Uncertain significance (2). Last evaluated 2024-11-30.

Conditions:
Primary dilated cardiomyopathy (DCM). Also called: Dilated Cardiomyopathy. Identifiers: Orphanet 217604, MedGen C0007193, MeSH D002311, MONDO:0005021, HP:0001644. Inheritance: Various modes of inheritance.

Allele frequency attached by ClinVar (database versions not stated): gnomAD 0.00001.
gnomAD v4.1: 3 of 1,613,290 alleles (0.00019%); no homozygotes.

Submissions (2):

Labcorp Genetics (formerly Invitae), Labcorp
Classification: Uncertain significance for Primary dilated cardiomyopathy. Last evaluated: 2024-11-30. Review status: criteria provided, single submitter. Criteria: Invitae Variant Classification Sherloc (09022015). Collection method: clinical testing. Allele origin: germline.
Comment: This sequence change replaces asparagine, which is neutral and polar, with serine, which is neutral and polar, at codon 330 of the NEBL protein (p.Asn330Ser). This variant is not present in population databases (gnomAD no frequency). This variant has not been reported in the literature in individuals affected with NEBL-related conditions. ClinVar contains an entry for this variant (Variation ID: 229048). An algorithm developed to predict the effect of missense changes on protein structure and function (PolyPhen-2) suggests that this variant is likely to be tolerated. In summary, the available evidence is currently insufficient to determine the role of this variant in disease. Therefore, it has been classified as a Variant of Uncertain Significance.

Laboratory for Molecular Medicine, Mass General Brigham Personalized Medicine
Classification: Uncertain significance. Last evaluated: 2015-04-02. Review status: criteria provided, single submitter. Criteria: LMM Criteria. Collection method: clinical testing. Allele origin: germline. Observed: 1 variant allele.
Comment: The p.Asn330Ser variant in NEBL has not been previously reported in individuals with cardiomyopathy or in large population studies. Computational prediction too ls and conservation analysis do not provide strong support for or against an imp act to the protein. In summary, the clinical significance of the p.Asn330Ser var iant is uncertain.

NM_006393.3(NEBL):c.989A>G (p.Asn330Ser)

Gene: NEBL (nebulette; minus strand). Cytogenetic location: 10p12.31.
Variant type: single nucleotide variant.
Coding change: c.989A>G on transcript NM_006393.3 (MANE Select); coding-DNA position 989, A replaced by G.
Protein change: p.Asn330Ser; replaces asparagine 330 with serine.
Molecular consequence: missense variant. On other transcripts: intron variant (9).
Genome position (GRCh38, 1-based): chr10:20,852,564, T>C on the plus strand (A>G on the coding strand, the complement: NEBL is on the minus strand). VCF-style: chr10-20852564-T-C. GRCh37 (hg19) VCF-style: chr10-21141493-T-C.
Other names: c.250-39624A>G (NM_001377326.1, NM_001377327.1, NM_001377328.1); c.358-39624A>G (NM_213569.2, NM_001173484.2, NM_001377322.1); c.301-39624A>G (NM_001377324.1); c.292-39624A>G (NM_001377325.1); c.310-39624A>G (NM_001377323.1); short protein forms N330S.
Identifiers: ClinVar variation 229048 (VCV000229048.10), dbSNP rs876657927, ClinGen allele CA10576784.